The following is an entry in ClinVar:

NM_000117.3(EMD):c.578C>T (p.Ser193Phe)

Gene: EMD (emerin; plus strand). Cytogenetic location: Xq28.
Variant type: single nucleotide variant.
Coding change: c.578C>T on transcript NM_000117.3 (MANE Select); coding-DNA position 578, C replaced by T.
Protein change: p.Ser193Phe; replaces serine 193 with phenylalanine.
Molecular consequence: missense variant.
Genome position (GRCh38, 1-based): chrX:154,381,010, C>T. VCF-style: chrX-154381010-C-T. GRCh37 (hg19) VCF-style: chrX-153609370-C-T.
Other names: c.578C>T (NM_000117.2); short protein forms S193F.
Identifiers: ClinVar variation 1471669 (VCV001471669.10), dbSNP rs1220835396, ClinGen allele CA415258901.
Genomic context (GRCh38, chrX:154,381,010, plus strand): 5'-CCAGGAGCTCCCTGGACCTGTCCTATTATCCTACTTCCTCCTCCACCTCTTTTATGTCCT[C>T]CTCATCATCTTCCTCTTCATGGCTCACCCGCCGTGCCATCCGGCCTGAAAACCGTGCTCC-3'
Protein context (NP_000108.1, residues 183-203): PTSSSTSFMS[Ser193Phe]SSSSSSWLTR

ClinVar aggregate classification (germline): Uncertain significance. Review status: criteria provided, multiple submitters, no conflicts (2 of 4 stars). 2 submissions from 2 submitters: Uncertain significance (2). Last evaluated 2026-04-22.

Conditions:
Cardiovascular phenotype. Identifiers: MedGen CN230736.
X-linked Emery-Dreifuss muscular dystrophy. Also called: Muscular dystrophy, tardive Emery-Dreifuss type, with contractures. Identifiers: Orphanet 261, Orphanet 98863, MedGen C0751337, MONDO:0010680.

Allele frequency attached by ClinVar (database versions not stated): TOPMed below 0.00001.

Submissions (2):

Ambry Genetics
Classification: Uncertain significance for Cardiovascular phenotype. Last evaluated: 2026-04-22. Review status: criteria provided, single submitter. Criteria: Ambry Variant Classification Scheme 2023. Collection method: clinical testing. Allele origin: germline.

Labcorp Genetics (formerly Invitae), Labcorp
Classification: Uncertain significance for X-linked Emery-Dreifuss muscular dystrophy. Last evaluated: 2023-03-13. Review status: criteria provided, single submitter. Criteria: Invitae Variant Classification Sherloc (09022015). Collection method: clinical testing. Allele origin: germline.
Comment: In summary, the available evidence is currently insufficient to determine the role of this variant in disease. Therefore, it has been classified as a Variant of Uncertain Significance. Advanced modeling of protein sequence and biophysical properties (such as structural, functional, and spatial information, amino acid conservation, physicochemical variation, residue mobility, and thermodynamic stability) performed at Invitae indicates that this missense variant is expected to disrupt EMD protein function. ClinVar contains an entry for this variant (Variation ID: 1471669). This variant has not been reported in the literature in individuals affected with EMD-related conditions. This variant is not present in population databases (gnomAD no frequency). This sequence change replaces serine, which is neutral and polar, with phenylalanine, which is neutral and non-polar, at codon 193 of the EMD protein (p.Ser193Phe).